The following is an entry in ClinVar:

NM_001330360.2(POLA1):c.4018A>G (p.Ile1340Val)

Gene: POLA1 (DNA polymerase alpha 1, catalytic subunit; plus strand). Cytogenetic location: Xp22.11.
Variant type: single nucleotide variant.
Coding change: c.4018A>G on transcript NM_001330360.2 (MANE Select); coding-DNA position 4018, A replaced by G.
Protein change: p.Ile1340Val; replaces isoleucine 1340 with valine.
Molecular consequence: missense variant. On other transcripts: non-coding transcript variant (2).
Genome position (GRCh38, 1-based): chrX:24,843,648, A>G. VCF-style: chrX-24843648-A-G. GRCh37 (hg19) VCF-style: chrX-24861765-A-G.
Other names: c.3943A>G, p.Ile1315Val (NM_001378303.1); c.4000A>G, p.Ile1334Val (NM_016937.4); short protein forms I1340V, I1315V, I1334V.
Identifiers: ClinVar variation 2831354 (VCV002831354.3), dbSNP rs2518749665, ClinGen allele CA412608562.

ClinVar aggregate classification (germline): Uncertain significance (1 of 4 stars; one submission).

Allele frequency attached by ClinVar (database versions not stated): gnomAD exomes below 0.00001.
gnomAD v4.1: 2 of 1,176,811 alleles (0.00017%); highest among the groups gnomAD compares: Non-Finnish European, 0.00023%; no homozygotes.

Submission:

Labcorp Genetics (formerly Invitae), Labcorp
Classification: Uncertain significance. Last evaluated: 2023-02-23. Review status: criteria provided, single submitter. Criteria: Invitae Variant Classification Sherloc (09022015). Collection method: clinical testing. Allele origin: germline.
Comment: In summary, the available evidence is currently insufficient to determine the role of this variant in disease. Therefore, it has been classified as a Variant of Uncertain Significance. Advanced modeling of protein sequence and biophysical properties (such as structural, functional, and spatial information, amino acid conservation, physicochemical variation, residue mobility, and thermodynamic stability) performed at Invitae indicates that this missense variant is not expected to disrupt POLA1 protein function. This variant has not been reported in the literature in individuals affected with POLA1-related conditions. This variant is not present in population databases (gnomAD no frequency). This sequence change replaces isoleucine, which is neutral and non-polar, with valine, which is neutral and non-polar, at codon 1334 of the POLA1 protein (p.Ile1334Val).